The following is an entry in ClinVar:

NM_004336.5(BUB1):c.1554G>T (p.Lys518Asn)

Gene: BUB1 (BUB1 mitotic checkpoint serine/threonine kinase; minus strand). Cytogenetic location: 2q13.
Variant type: single nucleotide variant.
Coding change: c.1554G>T on transcript NM_004336.5 (MANE Select); coding-DNA position 1554, G replaced by T.
Protein change: p.Lys518Asn; replaces lysine 518 with asparagine.
Molecular consequence: missense variant.
Genome position (GRCh38, 1-based): chr2:110,657,608, C>A on the plus strand (G>T on the coding strand, the complement: BUB1 is on the minus strand). VCF-style: chr2-110657608-C-A. GRCh37 (hg19) VCF-style: chr2-111415185-C-A.
Other names: c.1494G>T, p.Lys498Asn (NM_001278616.2); c.1554G>T, p.Lys518Asn (NM_001278617.2); short protein forms K498N, K518N.
Identifiers: ClinVar variation 1775132 (VCV001775132.2), dbSNP rs2468007588, ClinGen allele CA348212017.

ClinVar aggregate classification (germline): Uncertain significance (1 of 4 stars; one submission).

Submission:

Ambry Genetics
Classification: Uncertain significance. Last evaluated: 2021-12-10. Review status: criteria provided, single submitter. Criteria: Ambry Variant Classification Scheme 2023. Collection method: clinical testing. Allele origin: germline.
Comment: The p.K518N variant (also known as c.1554G>T), located in coding exon 14 of the BUB1 gene, results from a G to T substitution at nucleotide position 1554. The lysine at codon 518 is replaced by asparagine, an amino acid with similar properties. This amino acid position is conserved. In addition, this alteration is predicted to be tolerated by in silico analysis. Since supporting evidence is limited at this time, the clinical significance of this alteration remains unclear.